The following is an entry in ClinVar:

ClinVar aggregate classification (germline): Conflicting classifications of pathogenicity. Review status: criteria provided, conflicting classifications (1 of 4 stars). 2 submissions from 2 submitters: Uncertain significance (1); Benign (1). Last evaluated 2025-07-02.

Allele frequency attached by ClinVar (database versions not stated): gnomAD exomes 0.00058; ESP Exome Variant Server 0.00075; 1000 Genomes Project 30x 0.00078; ExAC 0.00079; 1000 Genomes Project 0.00080; gnomAD 0.00106; TOPMed 0.00136.
gnomAD v4.1: 1,057 of 1,614,088 alleles (0.065%); highest among the groups gnomAD compares: Middle Eastern, 1.3%; 4 homozygotes.

Submissions (2):

Labcorp Genetics (formerly Invitae), Labcorp
Classification: Uncertain significance. Last evaluated: 2025-07-02. Review status: criteria provided, single submitter. Criteria: Invitae Variant Classification Sherloc (09022015). Collection method: clinical testing. Allele origin: germline.
Comment: This sequence change replaces serine, which is neutral and polar, with alanine, which is neutral and non-polar, at codon 919 of the ATP13A3 protein (p.Ser919Ala). This variant is present in population databases (rs200408820, gnomAD 0.2%), and has an allele count higher than expected for a pathogenic variant. This missense change has been observed in individual(s) with idiopathic pulmonary arterial hypertension (PMID: 30578397). ClinVar contains an entry for this variant (Variation ID: 2042212). Invitae Evidence Modeling of protein sequence and biophysical properties (such as structural, functional, and spatial information, amino acid conservation, physicochemical variation, residue mobility, and thermodynamic stability) indicates that this missense variant is not expected to disrupt ATP13A3 protein function with a negative predictive value of 80%. In summary, the available evidence is currently insufficient to determine the role of this variant in disease. Therefore, it has been classified as a Variant of Uncertain Significance.

Blueprint Genetics
Classification: Benign. Last evaluated: 2024-11-08. Review status: criteria provided, single submitter. Criteria: ACMG Guidelines, 2015. Collection method: clinical testing. Allele origin: germline.

Literature cited by the submitters: PubMed 30578397 (cited by Labcorp Genetics (formerly Invitae), Labcorp).

NM_001367549.1(ATP13A3):c.2755T>G (p.Ser919Ala)

Gene: ATP13A3 (ATPase 13A3; minus strand). Cytogenetic location: 3q29.
Variant type: single nucleotide variant.
Coding change: c.2755T>G on transcript NM_001367549.1 (MANE Select); coding-DNA position 2755, T replaced by G.
Protein change: p.Ser919Ala; replaces serine 919 with alanine.
Molecular consequence: missense variant. On other transcripts: non-coding transcript variant (2).
Genome position (GRCh38, 1-based): chr3:194,430,094, A>C on the plus strand (T>G on the coding strand, the complement: ATP13A3 is on the minus strand). VCF-style: chr3-194430094-A-C. GRCh37 (hg19) VCF-style: chr3-194150823-A-C.
Other names: c.2674T>G, p.Ser892Ala (NM_001374836.1); c.2755T>G, p.Ser919Ala (NM_024524.4); short protein forms S919A, S892A.
Identifiers: ClinVar variation 2042212 (VCV002042212.5), dbSNP rs200408820, ClinGen allele CA2761586.